The following is an entry in ClinVar:

ClinVar aggregate classification (germline): Likely benign (1 of 4 stars; one submission).

gnomAD v4.1: 1 of 1,613,968 alleles (0.000062%); highest among the groups gnomAD compares: Non-Finnish European, 0.000085%; no homozygotes.

Submission:

CeGaT Center for Human Genetics Tuebingen
Classification: Likely benign. Last evaluated: 2022-04-01. Review status: criteria provided, single submitter. Criteria: CeGaT Center For Human Genetics Tuebingen Variant Classification Criteria Version 2. Collection method: clinical testing. Allele origin: germline. Affected: yes. Observed: 1 variant allele.
Comment: PIK3CG: BP4, BP7

NM_001282426.2(PIK3CG):c.2697G>T (p.Thr899=)

Gene: PIK3CG (phosphatidylinositol-4,5-bisphosphate 3-kinase catalytic subunit gamma; plus strand). Cytogenetic location: 7q22.3.
Variant type: single nucleotide variant.
Coding change: c.2697G>T on transcript NM_001282426.2 (MANE Select); coding-DNA position 2697, G replaced by T.
Protein change: p.Thr899=; no amino-acid change (threonine 899 retained).
Molecular consequence: synonymous variant.
Genome position (GRCh38, 1-based): chr7:106,883,100, G>T. VCF-style: chr7-106883100-G-T. GRCh37 (hg19) VCF-style: chr7-106523545-G-T.
Other names: c.2697G>T, p.Thr899= (NM_001282427.2, NM_002649.3).
Identifiers: ClinVar variation 2657928 (VCV002657928.24), dbSNP rs1180238527, ClinGen allele CA457076153.
Genomic context (GRCh38, chr7:106,883,100, plus strand): 5'-CGAGATTGTGAAAGACGCCACGACAATTGCCAAAATTCAGCAAAGCACAGTGGGCAACAC[G>T]GGAGCATTTAAAGATGAAGTCCTGAATCACTGGCTCAAAGAAAAATCCCCTACTGAAGAA-3'
Protein context (NP_001269355.1, residues 889-909): AKIQQSTVGN[Thr899=]GAFKDEVLNH